The following is an entry in ClinVar:

NM_001011.4(RPS7):c.148-6C>T

Gene: RPS7 (ribosomal protein S7; plus strand). Cytogenetic location: 2p25.3.
Variant type: single nucleotide variant.
Coding change: c.148-6C>T on transcript NM_001011.4 (MANE Select); 6 bases into the intron before coding-DNA position 148, C replaced by T.
Molecular consequence: intron variant.
Genome position (GRCh38, 1-based): chr2:3,576,481, C>T. VCF-style: chr2-3576481-C-T. GRCh37 (hg19) VCF-style: chr2-3624071-C-T.
Identifiers: ClinVar variation 1337630 (VCV001337630.14), dbSNP rs533287773, ClinGen allele CA1516594.

ClinVar aggregate classification (germline): Conflicting classifications of pathogenicity. Review status: criteria provided, conflicting classifications (1 of 4 stars). 3 submissions from 3 submitters: Uncertain significance (1); Likely benign (2). Last evaluated 2026-06-19.

Conditions:
RPS7-related disorder. Also called: RPS7-related condition.
Diamond-Blackfan anemia 8 (DBA8). Also called: RPS7-Related Diamond-Blackfan Anemia. Identifiers: Orphanet 124, MedGen C2675511, MONDO:0012939, OMIM 612563.

Allele frequency attached by ClinVar (database versions not stated): ExAC 0.00003; gnomAD 0.00006; 1000 Genomes Project 30x 0.00016; 1000 Genomes Project 0.00020.
gnomAD v4.1: 24 of 1,613,224 alleles (0.0015%); highest among the groups gnomAD compares: African/African-American, 0.02%; no homozygotes.

Submissions (3):

PreventionGenetics, part of Exact Sciences
Classification: Likely benign for RPS7-related condition. Last evaluated: 2026-06-19. Review status: criteria provided, single submitter. Criteria: ACMG Guidelines, 2015. Collection method: clinical testing. Allele origin: germline.
Comment: This variant is classified as likely benign based on ACMG/AMP sequence variant interpretation guidelines (Richards et al. 2015 PMID: 25741868, with internal and published modifications).

Labcorp Genetics (formerly Invitae), Labcorp
Classification: Likely benign for Diamond-Blackfan anemia 8. Last evaluated: 2025-11-06. Review status: criteria provided, single submitter. Criteria: Invitae Variant Classification Sherloc (09022015). Collection method: clinical testing. Allele origin: germline.

Genetic Services Laboratory, University of Chicago
Classification: Uncertain significance. Last evaluated: 2020-04-20. Review status: criteria provided, single submitter. Criteria: ACMG Guidelines, 2015. Collection method: clinical testing. Allele origin: germline. Affected: no.
Comment: DNA sequence analysis of the RPS7 gene demonstrated a sequence change in intron 3, c.148-6C>T. This sequence change has been described in the gnomAD database with a low population frequency of 0.0036% (dbSNP rs533287773). This sequence change is not clearly predicted to have a deleterious effect on splicing based on in silico splice prediction programs. This change does not appear to have been previously described in patients with RPS7-related disorders. The functional significance of this sequence change is not known at present and its contribution to this patient's disease phenotype cannot definitively be determined.